The following is an entry in ClinVar:

NM_000334.4(SCN4A):c.992C>T (p.Ala331Val)

Gene: SCN4A (sodium voltage-gated channel alpha subunit 4; minus strand). Cytogenetic location: 17q23.3.
Variant type: single nucleotide variant.
Coding change: c.992C>T on transcript NM_000334.4 (MANE Select); coding-DNA position 992, C replaced by T.
Protein change: p.Ala331Val; replaces alanine 331 with valine.
Molecular consequence: missense variant.
Genome position (GRCh38, 1-based): chr17:63,968,067, G>A on the plus strand (C>T on the coding strand, the complement: SCN4A is on the minus strand). VCF-style: chr17-63968067-G-A. GRCh37 (hg19) VCF-style: chr17-62045427-G-A.
Other names: short protein forms A331V.
Identifiers: ClinVar variation 2987718 (VCV002987718.3), dbSNP rs368831487, ClinGen allele CA8709981.
Genomic context (GRCh38, chr17:63,968,067, plus strand): 5'-CCCTCCCCATTCTTACCTTCATCACTGATGTAGGCGTCCCAATCAAAGGTATCGTTGGTG[G>A]CCCAGCTTGCATGGCTGTTCCACGTGTCGTTGGCATACCATGAGTCATTGCCGTACCACA-3'
Protein context (NP_000325.4, residues 321-341): NDTWNSHASW[Ala331Val]TNDTFDWDAY

ClinVar aggregate classification (germline): Uncertain significance (1 of 4 stars; one submission).

Conditions:
Hyperkalemic periodic paralysis. Also called: Familial hyperkalemic periodic paralysis; Gamstorp disease. Identifiers: Orphanet 682, MedGen C0238357, MONDO:0008224, OMIM 170500, HP:0007215.

Allele frequency attached by ClinVar (database versions not stated): ExAC 0.00001; gnomAD 0.00001; gnomAD exomes 0.00001; TOPMed 0.00001; ESP Exome Variant Server 0.00008.
gnomAD v4.1: 12 of 1,613,858 alleles (0.00074%); highest among the groups gnomAD compares: Non-Finnish European, 0.001%; no homozygotes.

Submission:

Labcorp Genetics (formerly Invitae), Labcorp
Classification: Uncertain significance for Hyperkalemic periodic paralysis. Last evaluated: 2023-11-27. Review status: criteria provided, single submitter. Criteria: Invitae Variant Classification Sherloc (09022015). Collection method: clinical testing. Allele origin: germline.
Comment: This sequence change replaces alanine, which is neutral and non-polar, with valine, which is neutral and non-polar, at codon 331 of the SCN4A protein (p.Ala331Val). This variant is present in population databases (rs368831487, gnomAD 0.0009%). This variant has not been reported in the literature in individuals affected with SCN4A-related conditions. Algorithms developed to predict the effect of missense changes on protein structure and function output the following: SIFT: "Not Available"; PolyPhen-2: "Benign"; Align-GVGD: "Not Available". The valine amino acid residue is found in multiple mammalian species, which suggests that this missense change does not adversely affect protein function. In summary, the available evidence is currently insufficient to determine the role of this variant in disease. Therefore, it has been classified as a Variant of Uncertain Significance.